The following is an entry in ClinVar:

NM_000784.4(CYP27A1):c.1047C>A (p.Tyr349Ter)

Gene: CYP27A1 (cytochrome P450 family 27 subfamily A member 1; plus strand). Cytogenetic location: 2q35.
Variant type: single nucleotide variant.
Coding change: c.1047C>A on transcript NM_000784.4 (MANE Select); coding-DNA position 1047, C replaced by A.
Protein change: p.Tyr349Ter; replaces tyrosine 349 with a stop codon.
Molecular consequence: nonsense.
Genome position (GRCh38, 1-based): chr2:218,814,050, C>A. VCF-style: chr2-218814050-C-A. GRCh37 (hg19) VCF-style: chr2-219678773-C-A.
Other names: short protein forms Y349*.
Identifiers: ClinVar variation 5013598 (VCV005013598.1).

ClinVar aggregate classification (germline): Pathogenic (1 of 4 stars; one submission).

Conditions:
Cholestanol storage disease (CTX). Also called: CEREBRAL CHOLESTERINOSIS; Cerebrotendinous Xanthomatosis; CTX: Cerebrotendinous xanthomatosis. Identifiers: Orphanet 909, MedGen C0238052, MONDO:0008948, OMIM 213700.

gnomAD v4.1: 1 of 1,614,270 alleles (0.000062%); highest among the groups gnomAD compares: Non-Finnish European, 0.000085%; no homozygotes.

Submission:

Myriad Genetics, Inc.
Classification: Pathogenic for Cholestanol storage disease. Last evaluated: 2024-10-01. Review status: criteria provided, single submitter. Criteria: Myriad Autosomal Dominant, Autosomal Recessive and X-Linked Classification Criteria (2023). Collection method: clinical testing. Allele origin: unknown.
Comment: NM_000784.3(CYP27A1):c.1047C>A(Y349*) is expected to be pathogenic in the context of cerebrotendinous xanthomatosis. This variant is predicted to lead to an abnormal or absent protein product due to the creation of a premature termination codon in CYP27A1, a gene where loss-of-function variants are known to be pathogenic. Please note: this variant was assessed in the context of healthy population screening.